The following is an entry in ClinVar:

NM_018942.3(HMX1):c.964G>A (p.Gly322Arg)

Gene: HMX1 (H6 family homeobox 1; minus strand). Cytogenetic location: 4p16.1.
Variant type: single nucleotide variant.
Coding change: c.964G>A on transcript NM_018942.3 (MANE Select); coding-DNA position 964, G replaced by A.
Protein change: p.Gly322Arg; replaces glycine 322 with arginine.
Molecular consequence: missense variant. On other transcripts: intron variant (1).
Genome position (GRCh38, 1-based): chr4:8,867,776, C>T on the plus strand (G>A on the coding strand, the complement: HMX1 is on the minus strand). VCF-style: chr4-8867776-C-T. GRCh37 (hg19) VCF-style: chr4-8869502-C-T.
Other names: c.964G>A (NM_018942.2); c.394+3445G>A (NM_001306142.2); short protein forms G322R.
Identifiers: ClinVar variation 1483829 (VCV001483829.8), dbSNP rs763505877, ClinGen allele CA356277360.

ClinVar aggregate classification (germline): Uncertain significance. Review status: criteria provided, multiple submitters, no conflicts (2 of 4 stars). 3 submissions from 3 submitters: Uncertain significance (3). Last evaluated 2024-11-14.

Conditions:
Inborn genetic diseases. Identifiers: MedGen C0950123, MeSH D030342.

gnomAD v4.1: 34 of 1,269,608 alleles (0.0027%); highest among the groups gnomAD compares: Admixed American, 0.0079%; no homozygotes.

Submissions (3):

Ambry Genetics
Classification: Uncertain significance for Inborn genetic diseases. Last evaluated: 2024-11-14. Review status: criteria provided, single submitter. Criteria: Ambry Variant Classification Scheme 2023. Collection method: clinical testing. Allele origin: germline.

Labcorp Genetics (formerly Invitae), Labcorp
Classification: Uncertain significance. Last evaluated: 2023-04-24. Review status: criteria provided, single submitter. Criteria: Invitae Variant Classification Sherloc (09022015). Collection method: clinical testing. Allele origin: germline.
Comment: This sequence change replaces glycine, which is neutral and non-polar, with arginine, which is basic and polar, at codon 322 of the HMX1 protein (p.Gly322Arg). In summary, the available evidence is currently insufficient to determine the role of this variant in disease. Therefore, it has been classified as a Variant of Uncertain Significance. An algorithm developed to predict the effect of missense changes on protein structure and function (PolyPhen-2) suggests that this variant is likely to be disruptive. ClinVar contains an entry for this variant (Variation ID: 1483829). This variant has not been reported in the literature in individuals affected with HMX1-related conditions. The frequency data for this variant in the population databases is considered unreliable, as metrics indicate poor data quality at this position in the gnomAD database.

Blueprint Genetics
Classification: Uncertain significance. Last evaluated: 2020-10-30. Review status: criteria provided, single submitter. Criteria: ACMG Guidelines, 2015. Collection method: clinical testing. Allele origin: germline.